The following is an entry in ClinVar:

ClinVar aggregate classification (germline): Pathogenic. Review status: criteria provided, multiple submitters, no conflicts (2 of 4 stars). 6 submissions from 6 submitters: Pathogenic (6). Last evaluated 2025-08-09.

Conditions:
GATA3-related disorder. Also called: GATA3-related condition.
Hypoparathyroidism, deafness, renal disease syndrome (HDRS). Also called: HYPOPARATHYROIDISM, SENSORINEURAL DEAFNESS, AND RENAL DYSPLASIA SYNDROME. Identifiers: Orphanet 2237, MedGen C1840333, MONDO:0007797, OMIM 146255.

Submissions (6):

Labcorp Genetics (formerly Invitae), Labcorp
Classification: Pathogenic. Last evaluated: 2025-08-09. Review status: criteria provided, single submitter. Criteria: Invitae Variant Classification Sherloc (09022015). Collection method: clinical testing. Allele origin: germline.
Comment: This sequence change creates a premature translational stop signal (p.Ser237Glnfs*67) in the GATA3 gene. It is expected to result in an absent or disrupted protein product. Loss-of-function variants in GATA3 are known to be pathogenic (PMID: 14985365, 21242646). The frequency data for this variant in the population databases is considered unreliable, as metrics indicate poor data quality at this position in the gnomAD database. This premature translational stop signal has been observed in individual(s) with GATA3-related conditions (PMID: 30396722, 33120464). ClinVar contains an entry for this variant (Variation ID: 977148). For these reasons, this variant has been classified as Pathogenic.

Fulgent Genetics
Classification: Pathogenic for Hypoparathyroidism, deafness, renal disease syndrome. Last evaluated: 2024-01-10. Review status: criteria provided, single submitter. Criteria: ACMG Guidelines, 2015. Collection method: clinical testing. Allele origin: germline.

Clinical Genetics Laboratory, Skane University Hospital Lund
Classification: Pathogenic. Last evaluated: 2023-08-04. Review status: criteria provided, single submitter. Criteria: ACMG Guidelines, 2015. Collection method: clinical testing. Allele origin: germline. Affected: yes.

Blueprint Genetics
Classification: Pathogenic for GATA3-related disorders. Last evaluated: 2022-03-28. Review status: criteria provided, single submitter. Criteria: ACMG Guidelines, 2015. Collection method: clinical testing. Allele origin: germline. Affected: yes. Observed: 2 variant alleles.

Broad Center for Mendelian Genomics, Broad Institute of MIT and Harvard
Classification: Pathogenic for Hypoparathyroidism, deafness, renal disease syndrome. Last evaluated: 2020-05-28. Review status: criteria provided, single submitter. Criteria: ACMG Guidelines, 2015. Collection method: research. Allele origin: germline. Inheritance: Autosomal dominant inheritance.
Comment: Trio exome analysis showed this variant to be de novo. This variant is predicted to cause a frameshift, which alters the proteinâ€™s amino acid sequence beginning at position 237 and leads to a premature termination codon 67 amino acids downstream. This alteration is then predicted to lead to a truncated or absent protein. While there is some evidence to suggest that heterozygous loss of function of the GATA3 gene is a disease mechanism in HDR Syndrome, this association is not yet strongly established based on the criteria laid out in Tayoun, 2018 (PMID: 30192042). In summary, this variant meets criteria to be classified as pathogenic for HDR Syndrome in an autosomal dominant manner based on predicted loss of function of the gene and de novo occurrence of the variant in an affected individual. ACMG/AMP Criteria applied: PVS1_strong, PS2, PS4_supporting (Richards 2015).

Juno Genomics, Hangzhou Juno Genomics, Inc
Classification: Pathogenic for Hypoparathyroidism, deafness, renal disease syndrome. Review status: criteria provided, single submitter. Criteria: ACMG Guidelines, 2015. Collection method: clinical testing. Allele origin: germline. Affected: yes.
Comment: Absent from controls (or at extremely low frequency if recessive) in Genome Aggregation Database, Exome Sequencing Project, 1000 Genomes Project, or Exome Aggregation Consortium.;Null variant in a gene where loss of function (LOF) is a known mechanism of disease.;The prevalence of the variant in affected individuals is significantly increased compared to the prevalence in controls.;Co-segregation with disease in multiple affected family members in a gene definitively known to cause the disease.;Patient's phenotype or family history is highly specific for a disease with a single genetic etiology.;De novo (both maternity and paternity confirmed) in a patient with the disease and no family history.

Literature cited by the submitters: PubMed 14985365 (cited by Labcorp Genetics (formerly Invitae), Labcorp); PubMed 21242646 (cited by Labcorp Genetics (formerly Invitae), Labcorp); PubMed 30396722 (cited by Labcorp Genetics (formerly Invitae), Labcorp); PubMed 33120464 (cited by Labcorp Genetics (formerly Invitae), Labcorp); PubMed 30143558 (cited by Broad Center for Mendelian Genomics, Broad Institute of MIT and Harvard).

NM_001002295.2(GATA3):c.708dup (p.Ser237fs)

Gene: GATA3 (GATA binding protein 3; plus strand). Cytogenetic location: 10p14.
Variant type: Duplication.
Coding change: c.708dup on transcript NM_001002295.2 (MANE Select); coding-DNA position 708, one base duplicated (C; older notation c.708dupC).
Protein change: p.Ser237fs; shifts the reading frame from serine 237.
Molecular consequence: frameshift variant.
Genome position (GRCh38, 1-based): chr10:8,058,771, C duplicated; the last of 7 consecutive C bases (chr10:8,058,765-8,058,771); duplicating any one gives the same sequence. VCF-style (leftmost placement, unchanged base first): chr10-8058764-T-TC. GRCh37 (hg19) VCF-style: chr10-8100727-T-TC.
Other names: c.708dup, p.Ser237fs (NM_002051.3); short protein forms S237fs.
Identifiers: ClinVar variation 977148 (VCV000977148.11), dbSNP rs771019738, ClinGen allele CA5404427.